The following is an entry in ClinVar:

NM_021939.4(FKBP10):c.226G>A (p.Gly76Ser)

Gene: FKBP10 (FKBP prolyl isomerase 10; plus strand). Cytogenetic location: 17q21.2.
Variant type: single nucleotide variant.
Coding change: c.226G>A on transcript NM_021939.4 (MANE Select); coding-DNA position 226, G replaced by A.
Protein change: p.Gly76Ser; replaces glycine 76 with serine.
Molecular consequence: missense variant.
Genome position (GRCh38, 1-based): chr17:41,813,260, G>A. VCF-style: chr17-41813260-G-A. GRCh37 (hg19) VCF-style: chr17-39969512-G-A.
Other names: short protein forms G76S.
Identifiers: ClinVar variation 2995855 (VCV002995855.4), dbSNP rs782166355, ClinGen allele CA8566137.

ClinVar aggregate classification (germline): Uncertain significance. Review status: criteria provided, multiple submitters, no conflicts (2 of 4 stars). 2 submissions from 2 submitters: Uncertain significance (2). Last evaluated 2023-12-09.

Conditions:
Inborn genetic diseases. Identifiers: MedGen C0950123, MeSH D030342.

Allele frequency attached by ClinVar (database versions not stated): ExAC 0.00001; gnomAD 0.00001; TOPMed 0.00001; gnomAD exomes 0.00002.

Submissions (2):

Labcorp Genetics (formerly Invitae), Labcorp
Classification: Uncertain significance. Last evaluated: 2023-12-09. Review status: criteria provided, single submitter. Criteria: Invitae Variant Classification Sherloc (09022015). Collection method: clinical testing. Allele origin: germline.
Comment: This sequence change replaces glycine, which is neutral and non-polar, with serine, which is neutral and polar, at codon 76 of the FKBP10 protein (p.Gly76Ser). This variant is present in population databases (rs782166355, gnomAD 0.002%). This variant has not been reported in the literature in individuals affected with FKBP10-related conditions. Advanced modeling of protein sequence and biophysical properties (such as structural, functional, and spatial information, amino acid conservation, physicochemical variation, residue mobility, and thermodynamic stability) has been performed at Invitae for this missense variant, however the output from this modeling did not meet the statistical confidence thresholds required to predict the impact of this variant on FKBP10 protein function. In summary, the available evidence is currently insufficient to determine the role of this variant in disease. Therefore, it has been classified as a Variant of Uncertain Significance.

Ambry Genetics
Classification: Uncertain significance for Inborn genetic diseases. Last evaluated: 2023-11-09. Review status: criteria provided, single submitter. Criteria: Ambry Variant Classification Scheme 2023. Collection method: clinical testing. Allele origin: germline.